The following is an entry in ClinVar:

NM_001040108.2(MLH3):c.1879T>C (p.Phe627Leu)

Gene: MLH3 (mutL homolog 3; minus strand). Cytogenetic location: 14q24.3.
Variant type: single nucleotide variant.
Coding change: c.1879T>C on transcript NM_001040108.2 (MANE Select); coding-DNA position 1879, T replaced by C.
Protein change: p.Phe627Leu; replaces phenylalanine 627 with leucine.
Molecular consequence: missense variant.
Genome position (GRCh38, 1-based): chr14:75,047,777, A>G on the plus strand (T>C on the coding strand, the complement: MLH3 is on the minus strand). VCF-style: chr14-75047777-A-G. GRCh37 (hg19) VCF-style: chr14-75514480-A-G.
Other names: c.1879T>C, p.Phe627Leu (NM_014381.3); short protein forms F627L.
Identifiers: ClinVar variation 844647 (VCV000844647.12), dbSNP rs765493144, ClinGen allele CA7275800.

ClinVar aggregate classification (germline): Conflicting classifications of pathogenicity. Review status: criteria provided, conflicting classifications (1 of 4 stars). 2 submissions from 2 submitters: Uncertain significance (1); Likely benign (1). Last evaluated 2024-07-25.

Conditions:
Colorectal cancer, hereditary nonpolyposis, type 7. Identifiers: Orphanet 144, MedGen C1858380, MONDO:0013725, OMIM 614385.

Allele frequency attached by ClinVar (database versions not stated): gnomAD exomes below 0.00001; TOPMed below 0.00001; ExAC 0.00001.
gnomAD v4.1: 3 of 1,614,098 alleles (0.00019%); highest among the groups gnomAD compares: East Asian, 0.0022%; no homozygotes.

Submissions (2):

Labcorp Genetics (formerly Invitae), Labcorp
Classification: Uncertain significance for Colorectal cancer, hereditary nonpolyposis, type 7. Last evaluated: 2024-07-25. Review status: criteria provided, single submitter. Criteria: Invitae Variant Classification Sherloc (09022015). Collection method: clinical testing. Allele origin: germline.
Comment: This sequence change replaces phenylalanine, which is neutral and non-polar, with leucine, which is neutral and non-polar, at codon 627 of the MLH3 protein (p.Phe627Leu). This variant is present in population databases (rs765493144, gnomAD 0.006%). This variant has not been reported in the literature in individuals affected with MLH3-related conditions. ClinVar contains an entry for this variant (Variation ID: 844647). An algorithm developed to predict the effect of missense changes on protein structure and function outputs the following: PolyPhen-2: "Benign". The leucine amino acid residue is found in multiple mammalian species, which suggests that this missense change does not adversely affect protein function. In summary, the available evidence is currently insufficient to determine the role of this variant in disease. Therefore, it has been classified as a Variant of Uncertain Significance.

Ambry Genetics
Classification: Likely benign. Last evaluated: 2024-03-26. Review status: criteria provided, single submitter. Criteria: Ambry Variant Classification Scheme 2023. Collection method: clinical testing. Allele origin: germline.